The following is an entry in ClinVar:

NM_000059.4(BRCA2):c.2773dup (p.Ser925fs)

Gene: BRCA2 (BRCA2 DNA repair associated; plus strand). Cytogenetic location: 13q13.1.
Variant type: Duplication.
Coding change: c.2773dup on transcript NM_000059.4 (MANE Select); coding-DNA position 2773, one base duplicated (T; older notation c.2773dupT).
Protein change: p.Ser925fs; shifts the reading frame from serine 925.
Molecular consequence: frameshift variant.
Genome position (GRCh38, 1-based): chr13:32,337,128, T duplicated. VCF-style (leftmost placement, unchanged base first): chr13-32337127-C-CT. GRCh37 (hg19) VCF-style: chr13-32911264-C-CT.
Other names: c.2773dupT (NM_000059.3); short protein forms S925fs.
Identifiers: ClinVar variation 51341 (VCV000051341.3), dbSNP rs397507640, ClinGen allele CA016320.

ClinVar aggregate classification (germline): Pathogenic. Review status: reviewed by expert panel (3 of 4 stars). 2 submissions from 2 submitters: Pathogenic (1). 1 of the submissions does not count toward it. Last evaluated 2017-12-15.

Conditions:
Breast-ovarian cancer, familial, susceptibility to, 2 (BROVCA2). Also called: BRCA2 Hereditary Breast and Ovarian Cancer. Identifiers: Orphanet 145, MedGen C2675520, MONDO:0012933, OMIM 612555. Disease mechanism: loss of function.
Familial cancer of breast. Also called: BREAST CANCER, FAMILIAL; Hereditary breast cancer; hereditary breast carcinoma. Identifiers: Orphanet 227535, MedGen C0346153, MONDO:0016419, OMIM 114480. Disease mechanism: loss of function.

Submissions (2):

Evidence-based Network for the Interpretation of Germline Mutant Alleles (ENIGMA)
Classification: Pathogenic for Breast-ovarian cancer, familial, susceptibility to, 2. Last evaluated: 2017-12-15. Review status: reviewed by expert panel. Criteria: ENIGMA BRCA1/2 Classification Criteria (2017-06-29). Collection method: curation. Allele origin: germline. Study: ENIGMA.
Comment: Variant allele predicted to encode a truncated non-functional protein.

ClinVar Staff, National Center for Biotechnology Information (NCBI)
No classification provided. Condition: Familial cancer of breast. Review status: no classification provided. Collection method: literature only. Allele origin: germline. Affected: yes. Not counted in ClinVar's aggregate classification.

Literature cited by the submitters: PubMed 17262179 (cited by ClinVar Staff, National Center for Biotechnology Information (NCBI)).